The following is an entry in ClinVar:

NM_002150.3(HPD):c.94-6A>T

Genes: HPD (4-hydroxyphenylpyruvate dioxygenase; minus strand), TIALD (transcript inducer of AURKA lysosomal degradation; plus strand). Cytogenetic location: 12q24.31.
Variant type: single nucleotide variant.
Coding change: c.94-6A>T on transcript NM_002150.3 (MANE Select); 6 bases into the intron before coding-DNA position 94, A replaced by T.
Molecular consequence: intron variant.
Genome position (GRCh38, 1-based): chr12:121,857,438, T>A on the plus strand (A>T on the coding strand, the complement: HPD is on the minus strand). VCF-style: chr12-121857438-T-A. GRCh37 (hg19) VCF-style: chr12-122295344-T-A.
Other names: p.?; c.-24-6A>T (NM_001171993.2).
Identifiers: ClinVar variation 307489 (VCV000307489.20), dbSNP rs2707072, ClinGen allele CA6839818.

ClinVar aggregate classification (germline): Benign. Review status: criteria provided, multiple submitters, no conflicts (2 of 4 stars). 8 submissions from 7 submitters: Benign (7). 1 of the submissions does not count toward it. Last evaluated 2026-05-24.

Conditions:
HPD-related disorder. Also called: HPD-related condition.
Hawkinsinuria. Identifiers: Orphanet 2118, MedGen C2931042, MONDO:0007700, OMIM 140350, HP:0034457.
Tyrosinemia type III. Also called: Tyrosinemia type 3; 4-alpha hydroxyphenylpyruvic acid oxidase deficiency; 4-alpha hydroxyphenylpyruvate dioxygenase deficiency; 4-Hydroxyphenylpyruvate dioxygenase deficiency; 4-HYDROXYPHENYLPYRUVIC ACID OXIDASE DEFICIENCY. Identifiers: Orphanet 69723, MedGen C0268623, MONDO:0010162, OMIM 276710.

Allele frequency attached by ClinVar (database versions not stated): gnomAD exomes 0.09941; ExAC 0.10536; gnomAD 0.12768 and 0.12828; ESP Exome Variant Server 0.13179; TOPMed 0.13399; 1000 Genomes Project 30x 0.16427; 1000 Genomes Project 0.16633.
gnomAD v4.1: 140,579 of 1,598,086 alleles (8.8%); highest among the groups gnomAD compares: African/African-American, 25%; 8,440 homozygotes.

Submissions (8):

Women's Health and Genetics/Laboratory Corporation of America, LabCorp
Classification: Benign. Last evaluated: 2026-05-24. Review status: criteria provided, single submitter. Criteria: LabCorp Variant Classification Summary - May 2015. Collection method: clinical testing. Allele origin: germline.

Labcorp Genetics (formerly Invitae), Labcorp
Classification: Benign for Tyrosinemia type III; Hawkinsinuria. Last evaluated: 2026-02-04. Review status: criteria provided, single submitter. Criteria: Invitae Variant Classification Sherloc (09022015). Collection method: clinical testing. Allele origin: germline.

Mayo Clinic Laboratories, Mayo Clinic
Classification: Benign. Last evaluated: 2021-04-07. Review status: criteria provided, single submitter. Criteria: ACMG Guidelines, 2015. Collection method: clinical testing. Allele origin: germline. Observed: 12 variant alleles.

Illumina Laboratory Services, Illumina
Classification: Benign for Tyrosinemia type III. Last evaluated: 2018-01-13. Review status: criteria provided, single submitter. Criteria: ICSL Variant Classification Criteria 13 December 2019. Collection method: clinical testing. Allele origin: germline.
Comment: This variant was observed in the ICSL laboratory as part of a predisposition screen in an ostensibly healthy population. It had not been previously curated by ICSL or reported in the Human Gene Mutation Database (HGMD: prior to June 1st, 2018), and was therefore a candidate for classification through an automated scoring system. Utilizing variant allele frequency, disease prevalence and penetrance estimates, and inheritance mode, an automated score was calculated to assess if this variant is too frequent to cause the disease. Based on the score and internal cut-off values, a variant classified as benign is not then subjected to further curation. The score for this variant resulted in a classification of benign for this disease.

Illumina Laboratory Services, Illumina
Classification: Benign for Hawkinsinuria. Last evaluated: 2018-01-13. Review status: criteria provided, single submitter. Criteria: ICSL Variant Classification Criteria 13 December 2019. Collection method: clinical testing. Allele origin: germline.
Comment: the same text as in the submission from Illumina Laboratory Services, Illumina above.

GeneDx
Classification: Benign. Last evaluated: 2015-03-03. Review status: criteria provided, single submitter. Criteria: GeneDx Variant Classification Process June 2021. Collection method: clinical testing. Allele origin: germline. Affected: yes.

Breakthrough Genomics
Classification: Benign. Review status: criteria provided, single submitter. Criteria: ACMG Guidelines, 2015. Collection method: not provided. Allele origin: germline. Inheritance: Autosomal recessive inheritance. Affected: yes.

PreventionGenetics, part of Exact Sciences
Classification: Benign for HPD-related condition. Last evaluated: 2023-07-19. Review status: no assertion criteria provided. Collection method: clinical testing. Allele origin: germline. Not counted in ClinVar's aggregate classification.
Comment: This variant is classified as benign based on ACMG/AMP sequence variant interpretation guidelines (Richards et al. 2015 PMID: 25741868, with internal and published modifications).